The following is an entry in ClinVar:

ClinVar aggregate classification (germline): Uncertain significance. Review status: criteria provided, multiple submitters, no conflicts (2 of 4 stars). 6 submissions from 6 submitters: Uncertain significance (6). Last evaluated 2025-10-19.

Conditions:
Tuberous sclerosis 2 (TSC2). Identifiers: Orphanet 805, MedGen C1860707, MONDO:0013199, OMIM 613254.
Lymphangiomyomatosis (LAM). Also called: Lymphangioleiomyomatosis, somatic; Lymphangioleiomyomatosis. Identifiers: Orphanet 538, MedGen C0751674, MONDO:0011705, OMIM 606690.
Isolated focal cortical dysplasia type II (FCORD2). Also called: CORTICAL DYSPLASIA OF TAYLOR; Focal cortical dysplasia type II. Identifiers: Orphanet 268994, MedGen C1846385, MONDO:0011818, OMIM 607341, HP:0032051.
Hereditary cancer-predisposing syndrome. Also called: Tumor predisposition; Neoplastic Syndromes, Hereditary; Hereditary Cancer Syndrome; Hereditary neoplastic syndrome. Identifiers: Orphanet 140162, MedGen C0027672, MeSH D009386, MONDO:0015356.
Tuberous sclerosis syndrome (TSC). Also called: Tuberous Sclerosis Complex; Tuberous sclerosis. Identifiers: Orphanet 805, MedGen C0041341, MONDO:0001734.

Allele frequency attached by ClinVar (database versions not stated): gnomAD exomes below 0.00001; TOPMed below 0.00001; gnomAD 0.00001.
gnomAD v4.1: 3 of 1,614,124 alleles (0.00019%); highest among the groups gnomAD compares: Admixed American, 0.0017%; no homozygotes.

Submissions (6):

Labcorp Genetics (formerly Invitae), Labcorp
Classification: Uncertain significance for Tuberous sclerosis 2. Last evaluated: 2025-10-19. Review status: criteria provided, single submitter. Criteria: Invitae Variant Classification Sherloc (09022015). Collection method: clinical testing. Allele origin: germline.
Comment: This sequence change replaces isoleucine, which is neutral and non-polar, with valine, which is neutral and non-polar, at codon 153 of the TSC2 protein (p.Ile153Val). This variant is not present in population databases (gnomAD no frequency). This variant has not been reported in the literature in individuals affected with TSC2-related conditions. ClinVar contains an entry for this variant (Variation ID: 486705). Invitae Evidence Modeling of protein sequence and biophysical properties (such as structural, functional, and spatial information, amino acid conservation, physicochemical variation, residue mobility, and thermodynamic stability) indicates that this missense variant is not expected to disrupt TSC2 protein function with a negative predictive value of 95%. In summary, the available evidence is currently insufficient to determine the role of this variant in disease. Therefore, it has been classified as a Variant of Uncertain Significance.

Ambry Genetics
Classification: Uncertain significance for Hereditary cancer-predisposing syndrome. Last evaluated: 2025-08-31. Review status: criteria provided, single submitter. Criteria: Ambry Variant Classification Scheme 2023. Collection method: clinical testing. Allele origin: germline.
Comment: The p.I153V variant (also known as c.457A>G), located in coding exon 4 of the TSC2 gene, results from an A to G substitution at nucleotide position 457. The isoleucine at codon 153 is replaced by valine, an amino acid with highly similar properties. This amino acid position is highly conserved in available vertebrate species. In addition, the in silico prediction for this alteration is inconclusive. Since supporting evidence is limited at this time, the clinical significance of this alteration remains unclear.

Color Diagnostics, LLC DBA Color Health
Classification: Uncertain significance for Tuberous sclerosis syndrome. Last evaluated: 2025-07-08. Review status: criteria provided, single submitter. Criteria: ACMG Guidelines, 2015. Collection method: clinical testing. Allele origin: germline.
Comment: This missense variant replaces isoleucine with valine at codon 153 of the TSC2 protein. Computational prediction is inconclusive regarding the impact of this variant on protein structure and function. To our knowledge, functional studies have not been reported for this variant. This variant has not been reported in individuals affected with TSC2-related disorders in the literature. This variant has not been identified in the general population by the Genome Aggregation Database (gnomAD). The available evidence is insufficient to determine the role of this variant in disease conclusively. Therefore, this variant is classified as a Variant of Uncertain Significance.

Fulgent Genetics
Classification: Uncertain significance for Lymphangiomyomatosis; Isolated focal cortical dysplasia type II; Tuberous sclerosis 2. Last evaluated: 2024-05-18. Review status: criteria provided, single submitter. Criteria: ACMG Guidelines, 2015. Collection method: clinical testing. Allele origin: germline.

Sema4
Classification: Uncertain significance for Hereditary cancer-predisposing syndrome. Last evaluated: 2022-03-06. Review status: criteria provided, single submitter. Criteria: Sema4 Curation Guidelines. Collection method: curation. Allele origin: germline.
Comment: The TSC2 c.457A>G(p.I153V) variant has not been reported in the literature to our knowledge. This variant is not reported in the population database Genome Aggregation Database (PMID: 32461654) but has been reported in ClinVar (Variation ID: 486705). Functional studies have not been performed, and in silico predictions of the variant's effect on protein function are inconclusive. The evidence is insufficient to meet ACMG/AMP criteria for classifying the variant as benign or pathogenic. Thus, the clinical significance of this variant is currently uncertain

Genome-Nilou Lab
Classification: Uncertain significance for Tuberous sclerosis 2. Last evaluated: 2021-11-07. Review status: criteria provided, single submitter. Criteria: ACMG Guidelines, 2015. Collection method: clinical testing. Allele origin: germline. Affected: no.

NM_000548.5(TSC2):c.457A>G (p.Ile153Val)

Gene: TSC2 (TSC complex subunit 2; plus strand). Cytogenetic location: 16p13.3.
Variant type: single nucleotide variant.
Coding change: c.457A>G on transcript NM_000548.5 (MANE Select); coding-DNA position 457, A replaced by G.
Protein change: p.Ile153Val; replaces isoleucine 153 with valine.
Molecular consequence: missense variant. On other transcripts: intron variant (1).
Genome position (GRCh38, 1-based): chr16:2,054,416, A>G. VCF-style: chr16-2054416-A-G. GRCh37 (hg19) VCF-style: chr16-2104417-A-G.
Other names: c.457A>G, p.Ile153Val (NM_001077183.3, NM_001114382.3, NM_001363528.2 and 3 more transcripts); c.346A>G, p.Ile116Val (NM_001318827.2); c.310A>G, p.Ile104Val (NM_001318829.2); c.490A>G, p.Ile164Val (NM_001318832.2); c.-1-1780A>G (NM_001318831.2); short protein forms I153V, I104V, I116V, I164V.
Identifiers: ClinVar variation 486705 (VCV000486705.17), dbSNP rs1555497700, ClinGen allele CA394308459.